The following is an entry in ClinVar:

NM_000719.7(CACNA1C):c.5445-842GA[4]

Genes: CACNA1C-AS1 (CACNA1C antisense RNA 1; minus strand), CACNA1C (calcium voltage-gated channel subunit alpha1 C; plus strand). Cytogenetic location: 12p13.33.
Variant type: Microsatellite.
Coding change: c.5445-842GA[4] on transcript NM_000719.7 (MANE Select); four copies in a row of the 2-base unit GA starting at c.5445-842; the reference has five copies in a row; one copy, 2 bases deleted.
Molecular consequence: intron variant.
Genome position (GRCh38, 1-based): chr12:2,681,716-2,681,717, GA deleted; deleting any 2 consecutive bases within chr12:2,681,708-2,681,717 gives the same sequence; the position shown is the placement nearest the transcript's 3' end. VCF-style (leftmost placement, unchanged base first): chr12-2681707-CGA-C. GRCh37 (hg19) VCF-style: chr12-2790873-CGA-C.
Other names: c.5445-242GA[4] (NM_001167624.3, NM_001129830.3); c.5445-842GA[4] (NM_001167623.2, NM_001129840.2, NM_001129842.2 and 2 more transcripts); c.5625-842GA[4] (NM_001167625.2); c.5589-242GA[4] (NM_199460.4); c.5589-842GA[4] (NM_001129827.2); c.5505-842GA[4] (NM_001129832.2); c.5529-842GA[4] (NM_001129831.2); c.5502-842GA[4] (NM_001129833.2, NM_001129834.2, NM_001129835.2); and 6 more.
Identifiers: ClinVar variation 678714 (VCV000678714.1), dbSNP rs148748662, ClinGen allele CA231612781.

ClinVar aggregate classification (germline): Benign (1 of 4 stars; one submission).

Submission:

GeneDx
Classification: Benign. Last evaluated: 2018-06-14. Review status: criteria provided, single submitter. Criteria: GeneDx Variant Classification (06012015). Collection method: clinical testing. Allele origin: germline. Affected: yes.
Comment: This variant is considered likely benign or benign based on one or more of the following criteria: it is a conservative change, it occurs at a poorly conserved position in the protein, it is predicted to be benign by multiple in silico algorithms, and/or has population frequency not consistent with disease.